The following is an entry in ClinVar:

ClinVar aggregate classification (germline): Uncertain significance (1 of 4 stars; one submission).

Allele frequency attached by ClinVar (database versions not stated): gnomAD exomes below 0.00001.
gnomAD v4.1: 5 of 1,614,070 alleles (0.00031%); highest among the groups gnomAD compares: Non-Finnish European, 0.00042%; no homozygotes.

Submission:

GeneDx
Classification: Uncertain significance. Last evaluated: 2023-04-11. Review status: criteria provided, single submitter. Criteria: GeneDx Variant Classification Process June 2021. Collection method: clinical testing. Allele origin: germline. Affected: yes.
Comment: Not observed at significant frequency in large population cohorts (gnomAD); In silico analysis supports that this missense variant does not alter protein structure/function; Has not been previously published as pathogenic or benign to our knowledge

NM_013275.6(ANKRD11):c.3359C>T (p.Thr1120Ile)

Gene: ANKRD11 (ankyrin repeat domain containing 11; minus strand). Cytogenetic location: 16q24.3.
Variant type: single nucleotide variant.
Coding change: c.3359C>T on transcript NM_013275.6 (MANE Select); coding-DNA position 3359, C replaced by T.
Protein change: p.Thr1120Ile; replaces threonine 1120 with isoleucine.
Molecular consequence: missense variant.
Genome position (GRCh38, 1-based): chr16:89,283,183, G>A on the plus strand (C>T on the coding strand, the complement: ANKRD11 is on the minus strand). VCF-style: chr16-89283183-G-A. GRCh37 (hg19) VCF-style: chr16-89349591-G-A.
Other names: c.3359C>T, p.Thr1120Ile (NM_001256182.2, NM_001256183.2); short protein forms T1120I.
Identifiers: ClinVar variation 2663186 (VCV002663186.1), dbSNP rs1567573742, ClinGen allele CA397159980.